The following is an entry in ClinVar:

NM_000214.3(JAG1):c.2553del (p.Ser851fs)

Gene: JAG1 (jagged canonical Notch ligand 1; minus strand). Cytogenetic location: 20p12.2.
Variant type: Deletion.
Coding change: c.2553del on transcript NM_000214.3 (MANE Select); coding-DNA position 2553, one base deleted (T; older notation c.2553delT).
Protein change: p.Ser851fs; shifts the reading frame from serine 851.
Molecular consequence: frameshift variant.
Genome position (GRCh38, 1-based): chr20:10,642,507, A deleted on the plus strand (T on the coding strand, the reverse complement: JAG1 is on the minus strand). VCF-style (leftmost placement, unchanged base first): chr20-10642506-CA-C. GRCh37 (hg19) VCF-style: chr20-10623154-CA-C.
Other names: short protein forms S851fs.
Identifiers: ClinVar variation 4724482 (VCV004724482.1).
Genomic context (GRCh38, chr20:10,642,506, plus strand): 5'-ACCCCAGAAGACCCATGGGCAGCTGAAGCCTGGCACACATACCTTCCTGGCACTTGGCAC[CA>C]CTGTGCCCTGGAGGGCAGACACACCGGTAGCCATTGATCTCATCCACACAGGTCGCTCCA-3'

ClinVar aggregate classification (germline): Pathogenic (1 of 4 stars; one submission).

Conditions:
Alagille syndrome due to a JAG1 point mutation. Also called: JAG1-Related Alagille Syndrome; HEPATIC DUCTULAR HYPOPLASIA, SYNDROMATIC; Alagille Syndrome 1. Identifiers: Orphanet 261619, Orphanet 52, MedGen C1956125, MONDO:0016862, OMIM 118450.

Submission:

Labcorp Genetics (formerly Invitae), Labcorp
Classification: Pathogenic for Alagille syndrome due to a JAG1 point mutation. Last evaluated: 2025-07-30. Review status: criteria provided, single submitter. Criteria: Invitae Variant Classification Sherloc (09022015). Collection method: clinical testing. Allele origin: germline.
Comment: This sequence change creates a premature translational stop signal (p.Ser851Argfs*19) in the JAG1 gene. It is expected to result in an absent or disrupted protein product. Loss-of-function variants in JAG1 are known to be pathogenic (PMID: 11180599). This variant is not present in population databases (gnomAD no frequency). This variant has not been reported in the literature in individuals affected with JAG1-related conditions. For these reasons, this variant has been classified as Pathogenic.

Literature cited by the submitters: PubMed 11180599.